The following is an entry in ClinVar:

NM_000455.5(STK11):c.1276C>G (p.Arg426Gly)

Gene: STK11 (serine/threonine kinase 11; plus strand). Cytogenetic location: 19p13.3.
Variant type: single nucleotide variant.
Coding change: c.1276C>G on transcript NM_000455.5 (MANE Select); coding-DNA position 1276, C replaced by G.
Protein change: p.Arg426Gly; replaces arginine 426 with glycine.
Molecular consequence: missense variant.
Genome position (GRCh38, 1-based): chr19:1,226,621, C>G. VCF-style: chr19-1226621-C-G. GRCh37 (hg19) VCF-style: chr19-1226620-C-G.
Other names: short protein forms R426G.
Identifiers: ClinVar variation 142743 (VCV000142743.30), dbSNP rs587782687, ClinGen allele CA022588.

ClinVar aggregate classification (germline): Conflicting classifications of pathogenicity. Review status: criteria provided, conflicting classifications (1 of 4 stars). 11 submissions from 11 submitters: Uncertain significance (9); Benign (1). 1 of the submissions does not count toward it. Last evaluated 2026-04-18.

Conditions:
Hereditary cancer-predisposing syndrome. Also called: Tumor predisposition; Neoplastic Syndromes, Hereditary; Hereditary Cancer Syndrome; Hereditary neoplastic syndrome. Identifiers: Orphanet 140162, MedGen C0027672, MeSH D009386, MONDO:0015356.
Melanoma, cutaneous malignant, susceptibility to, 1 (CMM1). Also called: B-K MOLE SYNDROME; DYSPLASTIC NEVUS SYNDROME, HEREDITARY; FAMILIAL ATYPICAL MOLE-MALIGNANT MELANOMA SYNDROME; MELANOMA, MALIGNANT. Identifiers: Orphanet 618, MedGen C1835047, MONDO:0007963, OMIM 155600.
Peutz-Jeghers syndrome (PJS). Also called: POLYPOSIS, HAMARTOMATOUS INTESTINAL; POLYPS-AND-SPOTS SYNDROME; Peutz-Jeghers polyposis; Periorificial lentiginosis syndrome. Identifiers: Orphanet 2869, MedGen C0031269, MeSH D010580, MONDO:0008280, OMIM 175200.

Allele frequency attached by ClinVar (database versions not stated): TOPMed 0.00001.
gnomAD v4.1: 18 of 1,547,018 alleles (0.0012%); highest among the groups gnomAD compares: Non-Finnish European, 0.0013%; no homozygotes.

Submissions (11):

Women's Health and Genetics/Laboratory Corporation of America, LabCorp
Classification: Uncertain significance. Last evaluated: 2026-04-18. Review status: criteria provided, single submitter. Criteria: LabCorp Variant Classification Summary - May 2015. Collection method: clinical testing. Allele origin: germline.

Ambry Genetics
Classification: Uncertain significance for Hereditary cancer-predisposing syndrome. Last evaluated: 2025-05-14. Review status: criteria provided, single submitter. Criteria: Ambry Variant Classification Scheme 2023. Collection method: clinical testing. Allele origin: germline.

Labcorp Genetics (formerly Invitae), Labcorp
Classification: Benign for Peutz-Jeghers syndrome. Last evaluated: 2025-05-01. Review status: criteria provided, single submitter. Criteria: Invitae Variant Classification Sherloc (09022015). Collection method: clinical testing. Allele origin: germline.

Color Diagnostics, LLC DBA Color Health
Classification: Uncertain significance for Hereditary cancer-predisposing syndrome. Last evaluated: 2024-12-17. Review status: criteria provided, single submitter. Criteria: ACMG Guidelines, 2015. Collection method: clinical testing. Allele origin: germline.
Comment: This missense variant replaces arginine with glycine at codon 426 of the STK11 protein. Computational prediction suggests that this variant may not impact protein structure and function. To our knowledge, functional studies have not been reported for this variant. This variant has not been reported in individuals affected with STK11-related disorders in the literature. This variant has not been identified in the general population by the Genome Aggregation Database (gnomAD). The available evidence is insufficient to determine the role of this variant in disease conclusively. Therefore, this variant is classified as a Variant of Uncertain Significance.

Quest Diagnostics Nichols Institute San Juan Capistrano
Classification: Uncertain significance. Last evaluated: 2024-09-28. Review status: criteria provided, single submitter. Criteria: Quest Diagnostics criteria. Collection method: clinical testing. Allele origin: unknown.
Comment: The STK11 c.1276C>G (p.Arg426Gly) variant has been reported in the published literature in an individual with malignant pleural mesothelioma (PMID: 26928227 (2016)). The frequency of this variant in the general population, 0.0000066 (1/152220 chromosomes (Genome Aggregation Database)), is uninformative in the assessment of its pathogenicity. Analysis of this variant using bioinformatics tools for the prediction of the effect of amino acid changes on protein structure and function yielded conflicting predictions that this variant is deleterious or benign. Based on the available information, we are unable to determine the clinical significance of this variant.

GeneDx
Classification: Uncertain significance. Last evaluated: 2024-01-09. Review status: criteria provided, single submitter. Criteria: GeneDx Variant Classification Process June 2021. Collection method: clinical testing. Allele origin: germline. Affected: yes.
Comment: Not observed at significant frequency in large population cohorts (gnomAD); In silico analysis supports that this missense variant does not alter protein structure/function; Observed in an individual with malignant pleural mesothelioma (PMID: 26928227); This variant is associated with the following publications: (PMID: 28900777, 23399955, 26928227)

All of Us Research Program, National Institutes of Health
Classification: Uncertain significance for Peutz-Jeghers syndrome. Last evaluated: 2023-11-20. Review status: criteria provided, single submitter. Criteria: ACMG Guidelines, 2015. Collection method: clinical testing. Allele origin: germline. Inheritance: Autosomal dominant inheritance. Observed: 2 variant alleles, 2 heterozygotes.
Comment: This missense variant replaces arginine with glycine at codon 426 of the STK11 protein. Computational prediction suggests that this variant may not impact protein structure and function (internally defined REVEL score threshold <= 0.5, PMID: 27666373). To our knowledge, functional studies have not been reported for this variant. This variant has not been reported in individuals affected with STK11-related disorders in the literature. This variant has not been identified in the general population by the Genome Aggregation Database (gnomAD). The available evidence is insufficient to determine the role of this variant in disease conclusively. Therefore, this variant is classified as a Variant of Uncertain Significance.

This study involves interpretation of variants in research participants for the purpose of population health screening. Participant phenotype was not available at the time of variant classification. Additional details can be found in publication PMID: 35346344, PMCID: PMC8962531

Baylor Genetics
Classification: Uncertain significance for Melanoma, cutaneous malignant, susceptibility to, 1. Last evaluated: 2023-07-16. Review status: criteria provided, single submitter. Criteria: ACMG Guidelines, 2015. Collection method: clinical testing. Allele origin: unknown.

Myriad Genetics, Inc.
Classification: Uncertain significance for Peutz-Jeghers syndrome. Last evaluated: 2023-04-14. Review status: criteria provided, single submitter. Criteria: Myriad Autosomal Dominant, Autosomal Recessive and X-Linked Classification Criteria (2023). Collection method: clinical testing. Allele origin: unknown.
Comment: This variant is classified as a variant of uncertain significance as there is insufficient evidence to determine its impact on protein function and/or cancer risk.

Genome-Nilou Lab
Classification: Uncertain significance for Peutz-Jeghers syndrome. Last evaluated: 2021-07-15. Review status: criteria provided, single submitter. Criteria: ACMG Guidelines, 2015. Collection method: clinical testing. Allele origin: germline. Affected: no.

Counsyl
Classification: Uncertain significance for Peutz-Jeghers syndrome. Last evaluated: 2016-07-08. Review status: no assertion criteria provided. Collection method: clinical testing. Allele origin: unknown. Not counted in ClinVar's aggregate classification.

Literature cited by the submitters: PubMed 26928227 (cited by Quest Diagnostics Nichols Institute San Juan Capistrano and Counsyl).